The following is an entry in ClinVar:

ClinVar aggregate classification (germline): Uncertain significance (1 of 4 stars; one submission).

Allele frequency attached by ClinVar (database versions not stated): gnomAD exomes below 0.00001.
gnomAD v4.1: 1 of 1,612,950 alleles (0.000062%); highest among the groups gnomAD compares: Non-Finnish European, 0.000085%; no homozygotes.

Submission:

Labcorp Genetics (formerly Invitae), Labcorp
Classification: Uncertain significance. Last evaluated: 2025-03-03. Review status: criteria provided, single submitter. Criteria: Invitae Variant Classification Sherloc (09022015). Collection method: clinical testing. Allele origin: germline.
Comment: This sequence change replaces proline, which is neutral and non-polar, with serine, which is neutral and polar, at codon 287 of the COL9A3 protein (p.Pro287Ser). This variant is not present in population databases (gnomAD no frequency). This variant has not been reported in the literature in individuals affected with COL9A3-related conditions. ClinVar contains an entry for this variant (Variation ID: 2125685). Invitae Evidence Modeling of protein sequence and biophysical properties (such as structural, functional, and spatial information, amino acid conservation, physicochemical variation, residue mobility, and thermodynamic stability) indicates that this missense variant is not expected to disrupt COL9A3 protein function with a negative predictive value of 95%. In summary, the available evidence is currently insufficient to determine the role of this variant in disease. Therefore, it has been classified as a Variant of Uncertain Significance.

NM_001853.4(COL9A3):c.859C>T (p.Pro287Ser)

Gene: COL9A3 (collagen type IX alpha 3 chain; plus strand). Cytogenetic location: 20q13.33.
Variant type: single nucleotide variant.
Coding change: c.859C>T on transcript NM_001853.4 (MANE Select); coding-DNA position 859, C replaced by T.
Protein change: p.Pro287Ser; replaces proline 287 with serine.
Molecular consequence: missense variant.
Genome position (GRCh38, 1-based): chr20:62,827,935, C>T. VCF-style: chr20-62827935-C-T. GRCh37 (hg19) VCF-style: chr20-61459287-C-T.
Other names: short protein forms P287S.
Identifiers: ClinVar variation 2125685 (VCV002125685.4), dbSNP rs2516051696, ClinGen allele CA409592681.